The following is an entry in ClinVar:

NM_006231.4(POLE):c.942A>C (p.Ser314=)

Gene: POLE (DNA polymerase epsilon, catalytic subunit; minus strand). Cytogenetic location: 12q24.33.
Variant type: single nucleotide variant.
Coding change: c.942A>C on transcript NM_006231.4 (MANE Select); coding-DNA position 942, A replaced by C.
Protein change: p.Ser314=; no amino-acid change (serine 314 retained).
Molecular consequence: synonymous variant.
Genome position (GRCh38, 1-based): chr12:132,676,172, T>G on the plus strand (A>C on the coding strand, the complement: POLE is on the minus strand). VCF-style: chr12-132676172-T-G. GRCh37 (hg19) VCF-style: chr12-133252758-T-G.
Identifiers: ClinVar variation 484524 (VCV000484524.17), dbSNP rs548933169, ClinGen allele CA6894135.

ClinVar aggregate classification (germline): Conflicting classifications of pathogenicity. Review status: criteria provided, conflicting classifications (1 of 4 stars). 5 submissions from 5 submitters: Uncertain significance (1); Benign (1); Likely benign (3). Last evaluated 2025-11-10.

Conditions:
Colorectal cancer, susceptibility to, 12 (CRCS12). Also called: COLORECTAL CANCER, SUSCEPTIBILITY TO, ON CHROMOSOME 12q24. Identifiers: Orphanet 220460, MedGen C3554460, MONDO:0014038, OMIM 615083.
Hereditary cancer-predisposing syndrome. Also called: Neoplastic Syndromes, Hereditary; Tumor predisposition; Hereditary Cancer Syndrome; Hereditary neoplastic syndrome. Identifiers: Orphanet 140162, MedGen C0027672, MeSH D009386, MONDO:0015356.

Allele frequency attached by ClinVar (database versions not stated): gnomAD exomes below 0.00001; ExAC 0.00001; gnomAD 0.00001; TOPMed 0.00001; 1000 Genomes Project 0.00020; 1000 Genomes Project 30x 0.00031.
gnomAD v4.1: 6 of 1,613,394 alleles (0.00037%); highest among the groups gnomAD compares: African/African-American, 0.008%; no homozygotes.

Submissions (5):

Labcorp Genetics (formerly Invitae), Labcorp
Classification: Likely benign. Last evaluated: 2025-11-10. Review status: criteria provided, single submitter. Criteria: Invitae Variant Classification Sherloc (09022015). Collection method: clinical testing. Allele origin: germline.

Myriad Genetics, Inc.
Classification: Benign for Colorectal cancer, susceptibility to, 12. Last evaluated: 2025-02-07. Review status: criteria provided, single submitter. Criteria: Myriad Autosomal Dominant, Autosomal Recessive and X-Linked Classification Criteria (2023). Collection method: clinical testing. Allele origin: unknown.
Comment: This variant is considered benign. This variant is a silent/synonymous amino acid change and it is not expected to impact splicing.

Quest Diagnostics Nichols Institute San Juan Capistrano
Classification: Uncertain significance. Last evaluated: 2017-09-21. Review status: criteria provided, single submitter. Criteria: Quest Diagnostics criteria. Collection method: clinical testing. Allele origin: germline.

GeneDx
Classification: Likely benign. Last evaluated: 2017-05-05. Review status: criteria provided, single submitter. Criteria: GeneDx Variant Classification (06012015). Collection method: clinical testing. Allele origin: germline. Affected: yes.
Comment: This variant is considered likely benign or benign based on one or more of the following criteria: it is a conservative change, it occurs at a poorly conserved position in the protein, it is predicted to be benign by multiple in silico algorithms, and/or has population frequency not consistent with disease.

Ambry Genetics
Classification: Likely benign for Hereditary cancer-predisposing syndrome. Last evaluated: 2016-05-05. Review status: criteria provided, single submitter. Criteria: Ambry Variant Classification Scheme 2023. Collection method: clinical testing. Allele origin: germline.